The following is an entry in ClinVar:

NM_005751.5(AKAP9):c.5227G>A (p.Ala1743Thr)

Gene: AKAP9 (A-kinase anchoring protein 9; plus strand). Cytogenetic location: 7q21.2.
Variant type: single nucleotide variant.
Coding change: c.5227G>A on transcript NM_005751.5 (MANE Select); coding-DNA position 5227, G replaced by A.
Protein change: p.Ala1743Thr; replaces alanine 1743 with threonine.
Molecular consequence: missense variant.
Genome position (GRCh38, 1-based): chr7:92,045,072, G>A. VCF-style: chr7-92045072-G-A. GRCh37 (hg19) VCF-style: chr7-91674386-G-A.
Other names: c.5227G>A, p.Ala1743Thr (NM_147185.3); short protein forms A1743T.
Identifiers: ClinVar variation 360829 (VCV000360829.18), dbSNP rs769653270, ClinGen allele CA4336754.

ClinVar aggregate classification (germline): Uncertain significance. Review status: criteria provided, multiple submitters, no conflicts (2 of 4 stars). 2 submissions from 2 submitters: Uncertain significance (2). Last evaluated 2024-12-23.

Conditions:
Cardiovascular phenotype. Identifiers: MedGen CN230736.
Long QT syndrome (LQTS). Identifiers: MedGen C0023976, MeSH D008133, MONDO:0002442. Disease mechanism: loss of function. Inheritance: Various modes of inheritance.

Allele frequency attached by ClinVar (database versions not stated): ExAC 0.00001; gnomAD 0.00001; gnomAD exomes 0.00001 and 0.00002; TOPMed 0.00002.
gnomAD v4.1: 30 of 1,613,588 alleles (0.0019%); highest among the groups gnomAD compares: Non-Finnish European, 0.0025%; no homozygotes.

Submissions (2):

Ambry Genetics
Classification: Uncertain significance for Cardiovascular phenotype. Last evaluated: 2024-12-23. Review status: criteria provided, single submitter. Criteria: Ambry Variant Classification Scheme 2023. Collection method: clinical testing. Allele origin: germline.

Labcorp Genetics (formerly Invitae), Labcorp
Classification: Uncertain significance for Long QT syndrome. Last evaluated: 2024-12-16. Review status: criteria provided, single submitter. Criteria: Invitae Variant Classification Sherloc (09022015). Collection method: clinical testing. Allele origin: germline.
Comment: This sequence change replaces alanine, which is neutral and non-polar, with threonine, which is neutral and polar, at codon 1743 of the AKAP9 protein (p.Ala1743Thr). This variant is present in population databases (rs769653270, gnomAD 0.0009%). This variant has not been reported in the literature in individuals affected with AKAP9-related conditions. ClinVar contains an entry for this variant (Variation ID: 360829). An algorithm developed to predict the effect of missense changes on protein structure and function (PolyPhen-2) suggests that this variant is likely to be disruptive. In summary, the available evidence is currently insufficient to determine the role of this variant in disease. Therefore, it has been classified as a Variant of Uncertain Significance.